The following is an entry in ClinVar:

ClinVar aggregate classification (germline): Uncertain significance (1 of 4 stars; one submission).

Conditions:
Immunodeficiency 36 with lymphoproliferation. Also called: ACTIVATED PI3K-DELTA SYNDROME 2; Activated PI3K Delta Syndrome Type 2 (APDS2); Immunodeficiency 36. Identifiers: Orphanet 397596, Orphanet 693681, MedGen C4014934, MONDO:0014453, OMIM 616005.
Agammaglobulinemia 7, autosomal recessive (AGM7). Also called: AGAMMAGLOBULINEMIA, AUTOSOMAL RECESSIVE, DUE TO PIK3R1 DEFECT. Identifiers: MedGen C3554689, MONDO:0014083, OMIM 615214.
SHORT syndrome. Also called: PIK3R1-Related SHORT Syndrome; SHORT STATURE, HYPEREXTENSIBILITY, HERNIA, OCULAR DEPRESSION, RIEGER ANOMALY, AND TEETHING DELAY; LIPODYSTROPHY, PARTIAL, WITH RIEGER ANOMALY AND SHORT STATURE. Identifiers: Orphanet 3163, MedGen C0878684, MONDO:0010026, OMIM 269880.

Submission:

Center for Genomics, Ann and Robert H. Lurie Children's Hospital of Chicago
Classification: Uncertain significance for Agammaglobulinemia 7, autosomal recessive; Immunodeficiency 36 with lymphoproliferation; SHORT syndrome. Review status: criteria provided, single submitter. Criteria: ACMG Guidelines, 2015. Collection method: clinical testing. Allele origin: germline.
Comment: PIK3R1 NM_181523.2 exon 6 p.Arg262Thr (c.785G>C):This variant has not been reported in the literature and is not present in large control databases. Evolutionary conservation for this variant is unclear; computational predictive tools suggest that this variant may impact the protein. In summary, data on this variant is insufficient for disease classification. Therefore, the clinical significance of this variant is uncertain.

NM_181523.3(PIK3R1):c.785G>C (p.Arg262Thr)

Gene: PIK3R1 (phosphoinositide-3-kinase regulatory subunit 1; plus strand). Cytogenetic location: 5q13.1.
Variant type: single nucleotide variant.
Coding change: c.785G>C on transcript NM_181523.3 (MANE Select); coding-DNA position 785, G replaced by C.
Protein change: p.Arg262Thr; replaces arginine 262 with threonine.
Molecular consequence: missense variant.
Genome position (GRCh38, 1-based): chr5:68,280,678, G>C. VCF-style: chr5-68280678-G-C. GRCh37 (hg19) VCF-style: chr5-67576506-G-C.
Other names: short protein forms R262T.
Identifiers: ClinVar variation 1675111 (VCV001675111.2), dbSNP rs2112195809, ClinGen allele CA359875539.